The following is an entry in ClinVar:

NM_182961.4(SYNE1):c.18106G>C (p.Asp6036His)

Gene: SYNE1 (spectrin repeat containing nuclear envelope protein 1; minus strand). Cytogenetic location: 6q25.2.
Variant type: single nucleotide variant.
Coding change: c.18106G>C on transcript NM_182961.4 (MANE Select); coding-DNA position 18106, G replaced by C.
Protein change: p.Asp6036His; replaces aspartic acid 6036 with histidine.
Molecular consequence: missense variant.
Genome position (GRCh38, 1-based): chr6:152,284,079, C>G on the plus strand (G>C on the coding strand, the complement: SYNE1 is on the minus strand). VCF-style: chr6-152284079-C-G. GRCh37 (hg19) VCF-style: chr6-152605214-C-G.
Other names: c.17893G>C, p.Asp5965His (NM_033071.5); short protein forms D5965H, D6036H.
Identifiers: ClinVar variation 500898 (VCV000500898.12), dbSNP rs147615757, ClinGen allele CA366097381.

ClinVar aggregate classification (germline): Uncertain significance. Review status: criteria provided, multiple submitters, no conflicts (2 of 4 stars). 2 submissions from 2 submitters: Uncertain significance (2). Last evaluated 2017-11-04.

Conditions:
Emery-Dreifuss muscular dystrophy 4, autosomal dominant (EDMD4). Also called: EMERY-DREIFUSS MUSCULAR DYSTROPHY 4 WITH VARIABLE FEATURES. Identifiers: Orphanet 261, MedGen C2751807, MONDO:0013071, OMIM 612998.
Autosomal recessive ataxia, Beauce type. Also called: SYNE1 Deficiency; Spinocerebellar ataxia, autosomal recessive 8; ATAXIA, RECESSIVE, OF BEAUCE; SYNE1-Related Autosomal Recessive Cerebellar Ataxia. Identifiers: Orphanet 88644, MedGen C1853116, MONDO:0012549, OMIM 610743.

gnomAD v4.1: 3 of 1,614,022 alleles (0.00019%); highest among the groups gnomAD compares: Admixed American, 0.0033%; no homozygotes.

Submissions (2):

Labcorp Genetics (formerly Invitae), Labcorp
Classification: Uncertain significance for Emery-Dreifuss muscular dystrophy 4, autosomal dominant; Autosomal recessive ataxia, Beauce type. Last evaluated: 2017-11-04. Review status: criteria provided, single submitter. Criteria: Invitae Variant Classification Sherloc (09022015). Collection method: clinical testing. Allele origin: germline.
Comment: In summary, the available evidence is currently insufficient to determine the role of this variant in disease. Therefore, it has been classified as a Variant of Uncertain Significance. Algorithms developed to predict the effect of missense changes on protein structure and function do not agree on the potential impact of this missense change (SIFT: "Deleterious"; PolyPhen-2: "Possibly Damaging"; Align-GVGD: "Class C0"). This variant has not been reported in the literature in individuals with SYNE1-related disease. This variant is not present in population databases (ExAC no frequency). This sequence change replaces aspartic acid with histidine at codon 5965 of the SYNE1 protein (p.Asp5965His). The aspartic acid residue is moderately conserved and there is a moderate physicochemical difference between aspartic acid and histidine.

Eurofins Ntd Llc (ga)
Classification: Uncertain significance. Last evaluated: 2017-03-20. Review status: criteria provided, single submitter. Criteria: EGL Classification Definitions 2015. Collection method: clinical testing. Allele origin: germline. Observed: 1 variant allele, 1 heterozygote.